The following is an entry in ClinVar:

NM_000135.4(FANCA):c.272G>C (p.Ser91Thr)

Gene: FANCA (FA complementation group A; minus strand). Cytogenetic location: 16q24.3.
Variant type: single nucleotide variant.
Coding change: c.272G>C on transcript NM_000135.4 (MANE Select); coding-DNA position 272, G replaced by C.
Protein change: p.Ser91Thr; replaces serine 91 with threonine.
Molecular consequence: missense variant.
Genome position (GRCh38, 1-based): chr16:89,814,531, C>G on the plus strand (G>C on the coding strand, the complement: FANCA is on the minus strand). VCF-style: chr16-89814531-C-G. GRCh37 (hg19) VCF-style: chr16-89880939-C-G.
Other names: c.272G>C, p.Ser91Thr (NM_001018112.3, NM_001286167.3, NM_001351830.2); short protein forms S91T.
Identifiers: ClinVar variation 5036340 (VCV005036340.1).

ClinVar aggregate classification (germline): Uncertain significance (1 of 4 stars; one submission).

Conditions:
Inborn genetic diseases. Identifiers: MedGen C0950123, MeSH D030342.

Submission:

Ambry Genetics
Classification: Uncertain significance for Inborn genetic diseases. Last evaluated: 2026-07-08. Review status: criteria provided, single submitter. Criteria: Ambry Variant Classification Scheme 2023. Collection method: clinical testing. Allele origin: germline.
Comment: The p.S91T variant (also known as c.272G>C), located in coding exon 3 of the FANCA gene, results from a G to C substitution at nucleotide position 272. The serine at codon 91 is replaced by threonine, an amino acid with similar properties. This amino acid position is conserved. In addition, this alteration is predicted to be tolerated by in silico analysis. Based on the available evidence, the clinical significance of this variant remains unclear.